The following is an entry in ClinVar:

NM_005141.5(FGB):c.1026A>G (p.Ile342Met)

Gene: FGB (fibrinogen beta chain; plus strand). Cytogenetic location: 4q31.3.
Variant type: single nucleotide variant.
Coding change: c.1026A>G on transcript NM_005141.5 (MANE Select); coding-DNA position 1026, A replaced by G.
Protein change: p.Ile342Met; replaces isoleucine 342 with methionine.
Molecular consequence: missense variant. On other transcripts: intron variant (1).
Genome position (GRCh38, 1-based): chr4:154,569,581, A>G. VCF-style: chr4-154569581-A-G. GRCh37 (hg19) VCF-style: chr4-155490733-A-G.
Other names: c.849A>G, p.Ile283Met (NM_001184741.1); c.894A>G, p.Ile298Met (NM_001382759.1); c.1026A>G, p.Ile342Met (NM_001382760.1, NM_001382761.1, NM_001382764.1 and 1 more transcripts); c.1017A>G, p.Ile339Met (NM_001382763.1); c.746-20A>G (NM_001382762.1); short protein forms I298M, I342M, I283M, I339M.
Identifiers: ClinVar variation 2078261 (VCV002078261.4), dbSNP rs751610009, ClinGen allele CA3114703.
Genomic context (GRCh38, chr4:154,569,581, plus strand): 5'-TTGGCTTGGAAATGATAAAATTAGCCAGCTTACCAGGATGGGACCCACAGAACTTTTGAT[A>G]GAAATGGAGGACTGGAAAGGAGACAAAGTAAAGGCTCACTATGGAGGATTCACTGTACAG-3'
Protein context (NP_005132.2, residues 332-352): LTRMGPTELL[Ile342Met]EMEDWKGDKV

ClinVar aggregate classification (germline): Uncertain significance (1 of 4 stars; one submission).

Allele frequency attached by ClinVar (database versions not stated): TOPMed below 0.00001; ExAC 0.00001; gnomAD 0.00001; gnomAD exomes 0.00001.
gnomAD v4.1: 12 of 1,614,034 alleles (0.00074%); highest among the groups gnomAD compares: Admixed American, 0.015%; no homozygotes.

Submission:

Labcorp Genetics (formerly Invitae), Labcorp
Classification: Uncertain significance. Last evaluated: 2025-06-12. Review status: criteria provided, single submitter. Criteria: Invitae Variant Classification Sherloc (09022015). Collection method: clinical testing. Allele origin: germline.
Comment: This sequence change replaces isoleucine, which is neutral and non-polar, with methionine, which is neutral and non-polar, at codon 342 of the FGB protein (p.Ile342Met). This variant is present in population databases (rs751610009, gnomAD 0.02%). This variant has not been reported in the literature in individuals affected with FGB-related conditions. ClinVar contains an entry for this variant (Variation ID: 2078261). Invitae Evidence Modeling of protein sequence and biophysical properties (such as structural, functional, and spatial information, amino acid conservation, physicochemical variation, residue mobility, and thermodynamic stability) indicates that this missense variant is not expected to disrupt FGB protein function with a negative predictive value of 80%. In summary, the available evidence is currently insufficient to determine the role of this variant in disease. Therefore, it has been classified as a Variant of Uncertain Significance.